The following is an entry in ClinVar:

NM_020800.3(IFT80):c.1291A>G (p.Ile431Val)

Genes: TRIM59-IFT80 (TRIM59-IFT80 readthrough (NMD candidate); minus strand), IFT80 (intraflagellar transport 80; minus strand). Cytogenetic location: 3q25.33.
Variant type: single nucleotide variant.
Coding change: c.1291A>G on transcript NM_020800.3 (MANE Select); coding-DNA position 1291, A replaced by G.
Protein change: p.Ile431Val; replaces isoleucine 431 with valine.
Molecular consequence: missense variant. On other transcripts: non-coding transcript variant (3).
Genome position (GRCh38, 1-based): chr3:160,300,907, T>C on the plus strand (A>G on the coding strand, the complement: IFT80 is on the minus strand). VCF-style: chr3-160300907-T-C. GRCh37 (hg19) VCF-style: chr3-160018695-T-C.
Other names: c.880A>G, p.Ile294Val (NM_001190241.2, NM_001190242.2); short protein forms I294V, I431V.
Identifiers: ClinVar variation 1954622 (VCV001954622.5), dbSNP rs2473184495, ClinGen allele CA355193525.

ClinVar aggregate classification (germline): Uncertain significance (1 of 4 stars; one submission).

Conditions:
Jeune thoracic dystrophy. Also called: Jeune syndrome; Infantile thoracic dystrophy; Thoracic pelvic phalangeal dystrophy; Jeune's syndrome; Chondroectodermal dysplasia-like syndrome; Short-rib thoracic dysplasia. Identifiers: Orphanet 474, MedGen C0265275, MONDO:0018770.

Allele frequency attached by ClinVar (database versions not stated): gnomAD exomes below 0.00001.
gnomAD v4.1: 3 of 1,608,420 alleles (0.00019%); highest among the groups gnomAD compares: Non-Finnish European, 0.00017%; no homozygotes.

Submission:

Labcorp Genetics (formerly Invitae), Labcorp
Classification: Uncertain significance for Jeune thoracic dystrophy. Last evaluated: 2024-02-17. Review status: criteria provided, single submitter. Criteria: Invitae Variant Classification Sherloc (09022015). Collection method: clinical testing. Allele origin: germline.
Comment: This sequence change replaces isoleucine, which is neutral and non-polar, with valine, which is neutral and non-polar, at codon 431 of the IFT80 protein (p.Ile431Val). This variant is not present in population databases (gnomAD no frequency). This variant has not been reported in the literature in individuals affected with IFT80-related conditions. ClinVar contains an entry for this variant (Variation ID: 1954622). Advanced modeling of protein sequence and biophysical properties (such as structural, functional, and spatial information, amino acid conservation, physicochemical variation, residue mobility, and thermodynamic stability) performed at Invitae indicates that this missense variant is not expected to disrupt IFT80 protein function with a negative predictive value of 80%. In summary, the available evidence is currently insufficient to determine the role of this variant in disease. Therefore, it has been classified as a Variant of Uncertain Significance.